The following is an entry in ClinVar:

ClinVar aggregate classification (germline): Conflicting classifications of pathogenicity. Review status: criteria provided, conflicting classifications (1 of 4 stars). 2 submissions from 2 submitters: Uncertain significance (1); Likely benign (1). Last evaluated 2025-07-21.

Conditions:
Inborn genetic diseases. Identifiers: MedGen C0950123, MeSH D030342.

Allele frequency attached by ClinVar (database versions not stated): TOPMed below 0.00001; ExAC 0.00001; gnomAD 0.00002; gnomAD exomes 0.00005; ESP Exome Variant Server 0.00008.
gnomAD v4.1: 31 of 1,613,702 alleles (0.0019%); highest among the groups gnomAD compares: Non-Finnish European, 0.0025%; no homozygotes.

Submissions (2):

GeneDx
Classification: Uncertain significance. Last evaluated: 2025-07-21. Review status: criteria provided, single submitter. Criteria: GeneDx Variant Classification Process June 2021. Collection method: clinical testing. Allele origin: germline.
Comment: In silico analysis supports that this missense variant has a deleterious effect on protein structure/function; Has not been previously published as pathogenic or benign to our knowledge

Ambry Genetics
Classification: Likely benign for Inborn genetic diseases. Last evaluated: 2022-09-07. Review status: criteria provided, single submitter. Criteria: Ambry Variant Classification Scheme 2023. Collection method: clinical testing. Allele origin: germline.

NM_001394062.1(MACF1):c.13375C>T (p.Leu4459Phe)

Gene: MACF1 (microtubule actin crosslinking factor 1; plus strand). Cytogenetic location: 1p34.3.
Variant type: single nucleotide variant.
Coding change: c.13375C>T on transcript NM_001394062.1 (MANE Select); coding-DNA position 13375, C replaced by T.
Protein change: p.Leu4459Phe; replaces leucine 4459 with phenylalanine.
Molecular consequence: missense variant.
Genome position (GRCh38, 1-based): chr1:39,379,301, C>T. VCF-style: chr1-39379301-C-T. GRCh37 (hg19) VCF-style: chr1-39844973-C-T.
Other names: c.7189C>T, p.Leu2397Phe (NM_012090.5); short protein forms L2397F, L4459F.
Identifiers: ClinVar variation 2222388 (VCV002222388.4), dbSNP rs377263950, ClinGen allele CA782050.